The following is an entry in ClinVar:

NM_007294.4(BRCA1):c.3955G>T (p.Gly1319Cys)

Genes: BRCA1 (BRCA1 DNA repair associated; minus strand), LOC126862571 (BRD4-independent group 4 enhancer GRCh37_chr17:41243136-41244335; plus strand). Cytogenetic location: 17q21.31.
Variant type: single nucleotide variant.
Coding change: c.3955G>T on transcript NM_007294.4 (MANE Select); coding-DNA position 3955, G replaced by T.
Protein change: p.Gly1319Cys; replaces glycine 1319 with cysteine.
Molecular consequence: missense variant. On other transcripts: intron variant (135).
Genome position (GRCh38, 1-based): chr17:43,091,576, C>A on the plus strand (G>T on the coding strand, the complement: BRCA1 is on the minus strand). VCF-style: chr17-43091576-C-A. GRCh37 (hg19) VCF-style: chr17-41243593-C-A.
Other names: c.3955G>T, p.Gly1319Cys (NM_001407626.1, NM_001407639.1, NM_001407640.1 and 30 more transcripts); c.3952G>T, p.Gly1318Cys (NM_001407627.1, NM_001407628.1, NM_001407629.1 and 22 more transcripts); c.3946G>T, p.Gly1316Cys (NM_001407646.1, NM_001407647.1); c.3832G>T, p.Gly1278Cys (NM_001407648.1, NM_001407664.1, NM_001407665.1 and 19 more transcripts); c.3829G>T, p.Gly1277Cys (NM_001407649.1, NM_001407670.1, NM_001407671.1 and 11 more transcripts); c.3877G>T, p.Gly1293Cys (NM_001407653.1, NM_001407654.1, NM_001407655.1 and 4 more transcripts); c.3874G>T, p.Gly1292Cys (NM_001407659.1, NM_001407660.1, NM_001407661.1 and 1 more transcripts); c.3814G>T, p.Gly1272Cys (NM_001407692.1, NM_001407694.1, NM_001407695.1 and 29 more transcripts); and 41 more; short protein forms G1023C, G1151C, G1191C, G1192C, G1207C, G1208C, G1230C, G1231C.
Identifiers: ClinVar variation 3072980 (VCV003072980.3), dbSNP rs431825403, ClinGen allele CA10594051.

ClinVar aggregate classification (germline): Uncertain significance. Review status: criteria provided, multiple submitters, no conflicts (2 of 4 stars). 2 submissions from 2 submitters: Uncertain significance (2). Last evaluated 2024-10-01.

Conditions:
Hereditary breast ovarian cancer syndrome. Also called: BRCA1- and BRCA2-Associated Hereditary Breast and Ovarian Cancer; Hereditary breast and ovarian cancer syndrome; Hereditary breast and ovarian cancer; Hereditary breast and ovarian cancer syndrome (HBOC); Breast and ovarian cancer; Hereditary breast and/or ovarian cancer syndrome. Identifiers: Orphanet 145, MedGen C0677776, MeSH D061325, MONDO:0003582. Disease mechanism: loss of function.
Breast-ovarian cancer, familial, susceptibility to, 1 (BROVCA1). Also called: BRCA1 Hereditary Breast and Ovarian Cancer; OVARIAN CANCER, SUSCEPTIBILITY TO. Identifiers: Orphanet 145, MedGen C2676676, MONDO:0011450, OMIM 604370. Disease mechanism: loss of function.

Submissions (2):

Labcorp Genetics (formerly Invitae), Labcorp
Classification: Uncertain significance for Hereditary breast ovarian cancer syndrome. Last evaluated: 2024-10-01. Review status: criteria provided, single submitter. Criteria: Invitae Variant Classification Sherloc (09022015). Collection method: clinical testing. Allele origin: germline.
Comment: This sequence change replaces glycine, which is neutral and non-polar, with cysteine, which is neutral and slightly polar, at codon 1319 of the BRCA1 protein (p.Gly1319Cys). This variant is not present in population databases (gnomAD no frequency). This variant has not been reported in the literature in individuals affected with BRCA1-related conditions. Invitae Evidence Modeling of protein sequence and biophysical properties (such as structural, functional, and spatial information, amino acid conservation, physicochemical variation, residue mobility, and thermodynamic stability) indicates that this missense variant is not expected to disrupt BRCA1 protein function with a negative predictive value of 95%. In summary, the available evidence is currently insufficient to determine the role of this variant in disease. Therefore, it has been classified as a Variant of Uncertain Significance.

All of Us Research Program, National Institutes of Health
Classification: Uncertain significance for Breast-ovarian cancer, familial, susceptibility to, 1. Last evaluated: 2023-08-15. Review status: criteria provided, single submitter. Criteria: ACMG Guidelines, 2015. Collection method: clinical testing. Allele origin: germline. Inheritance: Autosomal dominant inheritance. Observed: 1 variant allele, 1 heterozygote.
Comment: This missense variant replaces glycine with cysteine at codon 1319 of the BRCA1 protein. Computational prediction is inconclusive regarding the impact of this variant on protein structure and function (internally defined REVEL score threshold 0.5 < inconclusive < 0.7, PMID: 27666373). To our knowledge, functional studies have not been reported for this variant. This variant has not been reported in individuals affected with BRCA1-related disorders in the literature. This variant has not been identified in the general population by the Genome Aggregation Database (gnomAD). The available evidence is insufficient to determine the role of this variant in disease conclusively. Therefore, this variant is classified as a Variant of Uncertain Significance.

This study involves interpretation of variants in research participants for the purpose of population health screening. Participant phenotype was not available at the time of variant classification. Additional details can be found in publication PMID: 35346344, PMCID: PMC8962531